The following is an entry in ClinVar:

NM_001025603.2(RFX5):c.1322C>T (p.Ala441Val)

Gene: RFX5 (regulatory factor X5; minus strand). Cytogenetic location: 1q21.3.
Variant type: single nucleotide variant.
Coding change: c.1322C>T on transcript NM_001025603.2 (MANE Select); coding-DNA position 1322, C replaced by T.
Protein change: p.Ala441Val; replaces alanine 441 with valine.
Molecular consequence: missense variant.
Genome position (GRCh38, 1-based): chr1:151,342,715, G>A on the plus strand (C>T on the coding strand, the complement: RFX5 is on the minus strand). VCF-style: chr1-151342715-G-A. GRCh37 (hg19) VCF-style: chr1-151315191-G-A.
Other names: c.1322C>T, p.Ala441Val (NM_000449.4, NM_001379412.1, NM_001379413.1 and 5 more transcripts); c.1202C>T, p.Ala401Val (NM_001379419.1, NM_001379420.1); short protein forms A441V, A401V.
Identifiers: ClinVar variation 1346192 (VCV001346192.7), dbSNP rs148572733, ClinGen allele CA341927447.

ClinVar aggregate classification (germline): Uncertain significance (1 of 4 stars; one submission).

Conditions:
MHC class II deficiency. Also called: Bare lymphocyte syndrome 2; BLS, TYPE II. Identifiers: Orphanet 572, MedGen C5447452, MONDO:0008855.

gnomAD v4.1: 6 of 1,614,056 alleles (0.00037%); highest among the groups gnomAD compares: Non-Finnish European, 0.00042%; no homozygotes.

Submission:

Labcorp Genetics (formerly Invitae), Labcorp
Classification: Uncertain significance for MHC class II deficiency. Last evaluated: 2021-07-09. Review status: criteria provided, single submitter. Criteria: Invitae Variant Classification Sherloc (09022015). Collection method: clinical testing. Allele origin: germline.
Comment: In summary, the available evidence is currently insufficient to determine the role of this variant in disease. Therefore, it has been classified as a Variant of Uncertain Significance. Algorithms developed to predict the effect of sequence changes on RNA splicing suggest that this variant may create or strengthen a splice site, but this prediction has not been confirmed by published transcriptional studies. Algorithms developed to predict the effect of missense changes on protein structure and function output the following: SIFT: "Tolerated"; PolyPhen-2: "Benign"; Align-GVGD: "Class C0". The valine amino acid residue is found in multiple mammalian species, suggesting that this missense change does not adversely affect protein function. These predictions have not been confirmed by published functional studies and their clinical significance is uncertain. This variant has not been reported in the literature in individuals with RFX5-related conditions. This variant is not present in population databases (ExAC no frequency). This sequence change replaces alanine with valine at codon 441 of the RFX5 protein (p.Ala441Val). The alanine residue is moderately conserved and there is a small physicochemical difference between alanine and valine.